The following is an entry in ClinVar:

ClinVar aggregate classification (germline): Uncertain significance (1 of 4 stars; one submission).

Allele frequency attached by ClinVar (database versions not stated): gnomAD exomes below 0.00001; gnomAD 0.00001; TOPMed 0.00001.
gnomAD v4.1: 4 of 1,614,076 alleles (0.00025%); highest among the groups gnomAD compares: South Asian, 0.0011%; no homozygotes.

Submission:

Ambry Genetics
Classification: Uncertain significance. Last evaluated: 2022-06-28. Review status: criteria provided, single submitter. Criteria: Ambry Variant Classification Scheme 2023. Collection method: clinical testing. Allele origin: germline.
Comment: The p.K1750R variant (also known as c.5249A>G), located in coding exon 4 of the ALPK2 gene, results from an A to G substitution at nucleotide position 5249. The lysine at codon 1750 is replaced by arginine, an amino acid with highly similar properties. This amino acid position is conserved. In addition, this alteration is predicted to be tolerated by in silico analysis. Since supporting evidence is limited at this time, the clinical significance of this alteration remains unclear.

NM_052947.4(ALPK2):c.5249A>G (p.Lys1750Arg)

Genes: ALPK2 (alpha kinase 2; minus strand), LOC130062577 (ATAC-STARR-seq lymphoblastoid active region 13389; plus strand). Cytogenetic location: 18q21.31.
Variant type: single nucleotide variant.
Coding change: c.5249A>G on transcript NM_052947.4 (MANE Select); coding-DNA position 5249, A replaced by G.
Protein change: p.Lys1750Arg; replaces lysine 1750 with arginine.
Molecular consequence: missense variant.
Genome position (GRCh38, 1-based): chr18:58,534,938, T>C on the plus strand (A>G on the coding strand, the complement: ALPK2 is on the minus strand). VCF-style: chr18-58534938-T-C. GRCh37 (hg19) VCF-style: chr18-56202170-T-C.
Other names: short protein forms K1750R.
Identifiers: ClinVar variation 1746327 (VCV001746327.2), dbSNP rs1344062737, ClinGen allele CA402557371.